The following is an entry in ClinVar:

NM_000069.3(CACNA1S):c.812G>T (p.Gly271Val)

Gene: CACNA1S (calcium voltage-gated channel subunit alpha1 S; minus strand). Cytogenetic location: 1q32.1.
Variant type: single nucleotide variant.
Coding change: c.812G>T on transcript NM_000069.3 (MANE Select); coding-DNA position 812, G replaced by T.
Protein change: p.Gly271Val; replaces glycine 271 with valine.
Molecular consequence: missense variant.
Genome position (GRCh38, 1-based): chr1:201,089,346, C>A on the plus strand (G>T on the coding strand, the complement: CACNA1S is on the minus strand). VCF-style: chr1-201089346-C-A. GRCh37 (hg19) VCF-style: chr1-201058474-C-A.
Other names: short protein forms G271V.
Identifiers: ClinVar variation 4071694 (VCV004071694.1).
Genomic context (GRCh38, chr1:201,089,346, plus strand): 5'-ATGGTAATGCACTGGTACACGGTGAGCATGGAGAAGCCGAAGTTGTCGAAGTGGGTGATG[C>A]CATGGTTGGGCCCTGGCCAGCCGCCCCGGCACTCACTGCCATTGATGGTGCACCGGCGCC-3'
Protein context (NP_000060.2, residues 261-281): CRGGWPGPNH[Gly271Val]ITHFDNFGFS

ClinVar aggregate classification (germline): Uncertain significance (1 of 4 stars; one submission).

Submission:

GeneDx
Classification: Uncertain significance. Last evaluated: 2025-01-21. Review status: criteria provided, single submitter. Criteria: GeneDx Variant Classification Process June 2021. Collection method: clinical testing. Allele origin: germline. Affected: yes.
Comment: Not observed at significant frequency in large population cohorts (gnomAD); In silico analysis supports that this missense variant has a deleterious effect on protein structure/function; Has not been previously published as pathogenic or benign to our knowledge